The following is an entry in ClinVar:

ClinVar aggregate classification (germline): Uncertain significance. Review status: criteria provided, single submitter (1 of 4 stars). 2 submissions from 2 submitters: Uncertain significance (1). 1 of the submissions does not count toward it. Last evaluated 2022-08-21.

Conditions:
Zellweger spectrum disorders (ZS). Also called: Zellweger Spectrum Disorder; Zellweger Spectrum; Zellweger syndrome; Zellweger Spectrum Disorder (ZSD). Identifiers: Orphanet 912, MedGen C0043459, MONDO:0019609.

Allele frequency attached by ClinVar (database versions not stated): gnomAD exomes below 0.00001; gnomAD 0.00001; TOPMed 0.00001.
gnomAD v4.1: 4 of 1,613,666 alleles (0.00025%); highest among the groups gnomAD compares: African/African-American, 0.0013%; no homozygotes.

Submissions (2):

Labcorp Genetics (formerly Invitae), Labcorp
Classification: Uncertain significance for Zellweger spectrum disorders. Last evaluated: 2022-08-21. Review status: criteria provided, single submitter. Criteria: Invitae Variant Classification Sherloc (09022015). Collection method: clinical testing. Allele origin: germline.
Comment: This sequence change replaces glutamine, which is neutral and polar, with arginine, which is basic and polar, at codon 713 of the PEX1 protein (p.Gln713Arg). This variant is not present in population databases (gnomAD no frequency). This variant has not been reported in the literature in individuals affected with PEX1-related conditions. ClinVar contains an entry for this variant (Variation ID: 641630). Algorithms developed to predict the effect of missense changes on protein structure and function (SIFT, PolyPhen-2, Align-GVGD) all suggest that this variant is likely to be tolerated. In summary, the available evidence is currently insufficient to determine the role of this variant in disease. Therefore, it has been classified as a Variant of Uncertain Significance.

Natera, Inc.
Classification: Uncertain significance for Zellweger syndrome. Last evaluated: 2019-02-18. Review status: no assertion criteria provided. Collection method: clinical testing. Allele origin: germline. Not counted in ClinVar's aggregate classification.

NM_000466.3(PEX1):c.2138A>G (p.Gln713Arg)

Gene: PEX1 (peroxisomal biogenesis factor 1; minus strand). Cytogenetic location: 7q21.2.
Variant type: single nucleotide variant.
Coding change: c.2138A>G on transcript NM_000466.3 (MANE Select); coding-DNA position 2138, A replaced by G.
Protein change: p.Gln713Arg; replaces glutamine 713 with arginine.
Molecular consequence: missense variant.
Genome position (GRCh38, 1-based): chr7:92,503,129, T>C on the plus strand (A>G on the coding strand, the complement: PEX1 is on the minus strand). VCF-style: chr7-92503129-T-C. GRCh37 (hg19) VCF-style: chr7-92132443-T-C.
Other names: c.1967A>G, p.Gln656Arg (NM_001282677.2); c.1514A>G, p.Gln505Arg (NM_001282678.2); short protein forms Q505R, Q656R, Q713R.
Identifiers: ClinVar variation 641630 (VCV000641630.6), dbSNP rs1356967048, ClinGen allele CA368181757.
Genomic context (GRCh38, chr7:92,503,129, plus strand): 5'-CACTGAAATATGTGAACTCCTTGAGCAGAAACAAGTAAAGGATGTAGAGATTGCTGAGAC[T>C]GACTTGTGGCAATCAGTGCAACCAAACTTCCCATGGAGATAAACTCTTTTATCATATCAT-3'
Protein context (NP_000457.1, residues 703-723): GSLVALIATS[Gln713Arg]SQQSLHPLLV